The following is an entry in ClinVar:

ClinVar aggregate classification (germline): Uncertain significance (1 of 4 stars; one submission).

Conditions:
Hereditary pulmonary alveolar proteinosis. Also called: Pulmonary surfactant metabolism dysfunction. Identifiers: Orphanet 264675, MedGen C3711368, MONDO:0012580.

Allele frequency attached by ClinVar (database versions not stated): gnomAD 0.00001; gnomAD exomes 0.00001.
gnomAD v4.1: 10 of 1,612,532 alleles (0.00062%); highest among the groups gnomAD compares: African/African-American, 0.0013%; no homozygotes.

Submission:

Ambry Genetics
Classification: Uncertain significance for Hereditary pulmonary alveolar proteinosis. Last evaluated: 2016-03-07. Review status: criteria provided, single submitter. Criteria: Ambry Variant Classification Scheme 2023. Collection method: clinical testing. Allele origin: germline.
Comment: The p.R284C variant (also known as c.850C>T), located in coding exon 7 of the SFTPB gene, results from a C to T substitution at nucleotide position 850. The arginine at codon 284 is replaced by cysteine, an amino acid with highly dissimilar properties. This variant was not reported in population based cohorts in the following databases: Database of Single Nucleotide Polymorphisms (dbSNP), NHLBI Exome Sequencing Project (ESP), and 1000 Genomes Project. In the ESP, this variant was not observed in 6497 samples (12994 alleles) with coverage at this position. This amino acid position is poorly conserved in available vertebrate species. In addition, the in silico prediction for this alteration is inconclusive. Since supporting evidence is limited at this time, the clinical significance of this alteration remains unclear.

NM_000542.5(SFTPB):c.814C>T (p.Arg272Cys)

Gene: SFTPB (surfactant protein B; minus strand). Cytogenetic location: 2p11.2.
Variant type: single nucleotide variant.
Coding change: c.814C>T on transcript NM_000542.5 (MANE Select); coding-DNA position 814, C replaced by T.
Protein change: p.Arg272Cys; replaces arginine 272 with cysteine.
Molecular consequence: missense variant.
Genome position (GRCh38, 1-based): chr2:85,663,706, G>A on the plus strand (C>T on the coding strand, the complement: SFTPB is on the minus strand). VCF-style: chr2-85663706-G-A. GRCh37 (hg19) VCF-style: chr2-85890829-G-A.
Other names: c.814C>T, p.Arg272Cys (NM_001367281.2, NM_198843.4); short protein forms R272C.
Identifiers: ClinVar variation 1763676 (VCV001763676.2), dbSNP rs1056015131, ClinGen allele CA51751629.
Genomic context (GRCh38, chr2:85,663,706, plus strand): 5'-AGTGGGCAGTGGGCTCACTTGGGCCAGCGCTGTCATCCATGGAGCACCGGAGGACGAGGC[G>A]GCAGACCAGCTGGGGCAGCATGCGGCCCAGCAGCGTGTCGAGCAGGATGACGGAGTAGCG-3'
Protein context (NP_000533.4, residues 262-282): LGRMLPQLVC[Arg272Cys]LVLRCSMDDS